The following is an entry in ClinVar:

ClinVar aggregate classification (germline): Uncertain significance (1 of 4 stars; one submission).

Submission:

Labcorp Genetics (formerly Invitae), Labcorp
Classification: Uncertain significance. Last evaluated: 2024-06-03. Review status: criteria provided, single submitter. Criteria: Invitae Variant Classification Sherloc (09022015). Collection method: clinical testing. Allele origin: germline.
Comment: This sequence change replaces alanine, which is neutral and non-polar, with threonine, which is neutral and polar, at codon 1188 of the MYH3 protein (p.Ala1188Thr). This variant is not present in population databases (gnomAD no frequency). This variant has not been reported in the literature in individuals affected with MYH3-related conditions. Advanced modeling of protein sequence and biophysical properties (such as structural, functional, and spatial information, amino acid conservation, physicochemical variation, residue mobility, and thermodynamic stability) performed at Invitae indicates that this missense variant is not expected to disrupt MYH3 protein function with a negative predictive value of 95%. In summary, the available evidence is currently insufficient to determine the role of this variant in disease. Therefore, it has been classified as a Variant of Uncertain Significance.

NM_002470.4(MYH3):c.3562G>A (p.Ala1188Thr)

Gene: MYH3 (myosin heavy chain 3; minus strand). Cytogenetic location: 17p13.1.
Variant type: single nucleotide variant.
Coding change: c.3562G>A on transcript NM_002470.4 (MANE Select); coding-DNA position 3562, G replaced by A.
Protein change: p.Ala1188Thr; replaces alanine 1188 with threonine.
Molecular consequence: missense variant.
Genome position (GRCh38, 1-based): chr17:10,638,210, C>T on the plus strand (G>A on the coding strand, the complement: MYH3 is on the minus strand). VCF-style: chr17-10638210-C-T. GRCh37 (hg19) VCF-style: chr17-10541527-C-T.
Other names: short protein forms A1188T.
Identifiers: ClinVar variation 2747276 (VCV002747276.3), dbSNP rs2508592919, ClinGen allele CA398151355.